The following is an entry in ClinVar:

ClinVar aggregate classification (germline): Pathogenic (1 of 4 stars; one submission).

Conditions:
Familial cancer of breast. Also called: BREAST CANCER, FAMILIAL; Hereditary breast cancer; hereditary breast carcinoma. Identifiers: Orphanet 227535, MedGen C0346153, MONDO:0016419, OMIM 114480. Disease mechanism: loss of function.

Submission:

Labcorp Genetics (formerly Invitae), Labcorp
Classification: Pathogenic for Hereditary Breast Carcinoma. Last evaluated: 2019-12-04. Review status: criteria provided, single submitter. Criteria: Invitae Variant Classification Sherloc (09022015). Collection method: clinical testing. Allele origin: germline.
Comment: A gross deletion of the genomic region encompassing the full coding sequence of the CHEK2 gene has been identified. The boundaries of this event are unknown as the deletion extends beyond the assayed region for this gene and therefore may encompass additional genes. While this variant has not been reported in the literature in individuals with CHEK2-related disease, similar loss of the entire CHEK2 coding sequence has been observed in several individuals affected with breast cancer (Invitae). Sub-genic deletions of CHEK2 have been reported in affected patients and are known to be pathogenic (PMID: 16551709, 24763289, 17085682). Therefore, deletions that fully encompass these regions are also expected to be pathogenic. Loss-of-function variants in CHEK2 are known to be pathogenic (PMID: 21876083, 24713400). For these reasons, this variant has been classified as Pathogenic.

Literature cited by the submitters: PubMed 24763289; PubMed 16551709; PubMed 17085682.

NC_000022.10:g.(?_29083885)_(29621477_?)del

Genes: C22orf31 (chromosome 22 open reading frame 31; minus strand), CCDC117 (coiled-coil domain containing 117; plus strand), EMID1 (EMI domain containing 1; plus strand), XBP1 (X-box binding protein 1; minus strand), KREMEN1 (kringle containing transmembrane protein 1; plus strand) and 3 more. Cytogenetic location: 22q12.1-12.2.
Variant type: Deletion.
Identifiers: ClinVar variation 832563 (VCV000832563.2).